The following is an entry in ClinVar:

ClinVar aggregate classification (germline): Uncertain significance (1 of 4 stars; one submission).

Conditions:
Familial thoracic aortic aneurysm and aortic dissection (TAAD). Also called: Thoracic aortic aneurysms and dissections. Identifiers: Orphanet 91387, MedGen C4707243, MONDO:0019625.

Submission:

Color Diagnostics, LLC DBA Color Health
Classification: Uncertain significance for Familial thoracic aortic aneurysm and aortic dissection. Last evaluated: 2024-08-05. Review status: criteria provided, single submitter. Criteria: ACMG Guidelines, 2015. Collection method: clinical testing. Allele origin: germline.
Comment: This missense variant replaces histidine with arginine at codon 932 of the MYH11 protein. Computational prediction is inconclusive regarding the impact of this variant on protein structure and function. To our knowledge, functional studies have not been reported for this variant. This variant has not been reported in individuals affected with MYH11-related disorders in the literature. This variant has not been identified in the general population by the Genome Aggregation Database (gnomAD). The available evidence is insufficient to determine the role of this variant in disease conclusively. Therefore, this variant is classified as a Variant of Uncertain Significance.

NM_002474.3(MYH11):c.2774A>G (p.His925Arg)

Gene: MYH11 (myosin heavy chain 11; minus strand). Cytogenetic location: 16p13.11.
Variant type: single nucleotide variant.
Coding change: c.2774A>G on transcript NM_002474.3 (MANE Select); coding-DNA position 2774, A replaced by G.
Protein change: p.His925Arg; replaces histidine 925 with arginine.
Molecular consequence: missense variant.
Genome position (GRCh38, 1-based): chr16:15,741,548, T>C on the plus strand (A>G on the coding strand, the complement: MYH11 is on the minus strand). VCF-style: chr16-15741548-T-C. GRCh37 (hg19) VCF-style: chr16-15835405-T-C.
Other names: c.2795A>G, p.His932Arg (NM_001040113.2, NM_001040114.2); c.2774A>G, p.His925Arg (NM_022844.3); short protein forms H932R, H925R.
Identifiers: ClinVar variation 2773835 (VCV002773835.2), dbSNP rs2506205272, ClinGen allele CA394865165.